The following is an entry in ClinVar:

ClinVar aggregate classification (germline): Uncertain significance. Review status: criteria provided, multiple submitters, no conflicts (2 of 4 stars). 2 submissions from 2 submitters: Uncertain significance (2). Last evaluated 2024-12-18.

Conditions:
Intellectual developmental disorder 59. Also called: INTELLECTUAL DEVELOPMENTAL DISORDER, AUTOSOMAL DOMINANT 59; MENTAL RETARDATION, AUTOSOMAL DOMINANT 59. Identifiers: MedGen C5193190, MONDO:0032795, OMIM 618522.

Submissions (2):

Genomic Medicine Center of Excellence, King Faisal Specialist Hospital and Research Centre
Classification: Uncertain significance for Intellectual developmental disorder 59. Last evaluated: 2024-12-18. Review status: criteria provided, single submitter. Criteria: ACMG Guidelines, 2015. Collection method: clinical testing. Allele origin: germline.

Laboratorio de Genetica e Diagnostico Molecular, Hospital Israelita Albert Einstein
Classification: Uncertain significance for Intellectual developmental disorder 59. Last evaluated: 2024-10-28. Review status: criteria provided, single submitter. Criteria: ACMG Guidelines, 2015. Collection method: clinical testing. Allele origin: germline. Affected: yes.
Comment: ACMG classification criteria: PM2 supporting, BP4 supporting

NM_001367534.1(CAMK2G):c.1568C>G (p.Thr523Ser)

Gene: CAMK2G (calcium/calmodulin dependent protein kinase II gamma; minus strand). Cytogenetic location: 10q22.2.
Variant type: single nucleotide variant.
Coding change: c.1568C>G on transcript NM_001367534.1 (MANE Select); coding-DNA position 1568, C replaced by G.
Protein change: p.Thr523Ser; replaces threonine 523 with serine.
Molecular consequence: missense variant. On other transcripts: non-coding transcript variant (8).
Genome position (GRCh38, 1-based): chr10:73,815,214, G>C on the plus strand (C>G on the coding strand, the complement: CAMK2G is on the minus strand). VCF-style: chr10-73815214-G-C. GRCh37 (hg19) VCF-style: chr10-75574972-G-C.
Other names: c.1421C>G, p.Thr474Ser (NM_001204492.2); c.1289C>G, p.Thr430Ser (NM_001222.4); c.1358C>G, p.Thr453Ser (NM_001367516.1, NM_001367517.1, NM_172170.5); c.1436C>G, p.Thr479Ser (NM_001367518.1); c.1448C>G, p.Thr483Ser (NM_001367525.1); c.1466C>G, p.Thr489Ser (NM_001367527.1); c.1322C>G, p.Thr441Ser (NM_001367530.1); c.1391C>G, p.Thr464Ser (NM_001367531.1); and 14 more; short protein forms T261S, T364S, T409S, T430S, T439S, T441S, T445S, T453S.
Identifiers: ClinVar variation 3391124 (VCV003391124.2).
Genomic context (GRCh38, chr10:73,815,214, plus strand): 5'-CGGATGTAGGCGATGCACGCTGCGTCCTCCCCAATCACGTGGACGTGTGGGTTTAGGATG[G>C]TGGTATGGATAGGCTTGCTGTTCTTGGACAGGACTGCAGGGCAGGGTGGGGTAGGTAAGA-3'
Protein context (NP_001354463.1, residues 513-533): LSKNSKPIHT[Thr523Ser]ILNPHVHVIG